The following is an entry in ClinVar:

NM_001369268.1(ACAN):c.2207C>G (p.Pro736Arg)

Gene: ACAN (aggrecan; plus strand). Cytogenetic location: 15q26.1.
Variant type: single nucleotide variant.
Coding change: c.2207C>G on transcript NM_001369268.1 (MANE Select); coding-DNA position 2207, C replaced by G.
Protein change: p.Pro736Arg; replaces proline 736 with arginine.
Molecular consequence: missense variant.
Genome position (GRCh38, 1-based): chr15:88,851,974, C>G. VCF-style: chr15-88851974-C-G. GRCh37 (hg19) VCF-style: chr15-89395205-C-G.
Other names: c.2207C>G, p.Pro736Arg (NM_001135.4, NM_001411096.1, NM_001411097.1 and 1 more transcripts); short protein forms P736R.
Identifiers: ClinVar variation 3347355 (VCV003347355.1).

ClinVar aggregate classification (germline): Uncertain significance (0 of 4 stars; one submission).

Conditions:
ACAN-related disorder. Also called: ACAN-related condition; ACAN-related disorders.

gnomAD v4.1: 1 of 1,612,164 alleles (0.000062%); highest among the groups gnomAD compares: African/African-American, 0.0013%; no homozygotes.

Submission:

PreventionGenetics, part of Exact Sciences
Classification: Uncertain significance for ACAN-related condition. Last evaluated: 2024-04-29. Review status: no assertion criteria provided. Collection method: clinical testing. Allele origin: germline.
Comment: The ACAN c.2207C>G variant is predicted to result in the amino acid substitution p.Pro736Arg. To our knowledge, this variant has not been reported in the literature or in a large population database, indicating this variant is rare. At this time, the clinical significance of this variant is uncertain due to the absence of conclusive functional and genetic evidence.